The following is an entry in ClinVar:

NM_006767.4(LZTR1):c.965A>G (p.Glu322Gly)

Gene: LZTR1 (leucine zipper like post translational regulator 1; plus strand). Cytogenetic location: 22q11.21.
Variant type: single nucleotide variant.
Coding change: c.965A>G on transcript NM_006767.4 (MANE Select); coding-DNA position 965, A replaced by G.
Protein change: p.Glu322Gly; replaces glutamic acid 322 with glycine.
Molecular consequence: missense variant.
Genome position (GRCh38, 1-based): chr22:20,991,801, A>G. VCF-style: chr22-20991801-A-G. GRCh37 (hg19) VCF-style: chr22-21346090-A-G.
Other names: short protein forms E322G.
Identifiers: ClinVar variation 3541614 (VCV003541614.1).
Genomic context (GRCh38, chr22:20,991,801, plus strand): 5'-CGGCCGACAACACGCTGCCCAACGAGCTGCACTGCTATGACGTGGACTTCCAGACCTGGG[A>G]GGTCGTCCAGCCCAGCTCCGACAGCGAGGTGAGGGTGCCCAGGGGTGTCCTGACCTGCCA-3'
Protein context (NP_006758.2, residues 312-332): HCYDVDFQTW[Glu322Gly]VVQPSSDSEV

ClinVar aggregate classification (germline): Uncertain significance (1 of 4 stars; one submission).

Conditions:
Hereditary cancer-predisposing syndrome. Also called: Hereditary Cancer Syndrome; Hereditary neoplastic syndrome; Tumor predisposition; Neoplastic Syndromes, Hereditary. Identifiers: Orphanet 140162, MedGen C0027672, MeSH D009386, MONDO:0015356.
Cardiovascular phenotype. Identifiers: MedGen CN230736.

Submission:

Ambry Genetics
Classification: Uncertain significance for Cardiovascular phenotype; Hereditary cancer-predisposing syndrome. Last evaluated: 2024-08-26. Review status: criteria provided, single submitter. Criteria: Ambry Variant Classification Scheme 2023. Collection method: clinical testing. Allele origin: germline.
Comment: The p.E322G variant (also known as c.965A>G), located in coding exon 9 of the LZTR1 gene, results from an A to G substitution at nucleotide position 965. The glutamic acid at codon 322 is replaced by glycine, an amino acid with similar properties. This amino acid position is conserved. In addition, the in silico prediction for this alteration is inconclusive. Based on the available evidence, the clinical significance of this variant remains unclear.